The following is an entry in ClinVar:

ClinVar aggregate classification (germline): Uncertain significance. Review status: criteria provided, multiple submitters, no conflicts (2 of 4 stars). 4 submissions from 4 submitters: Uncertain significance (4). Last evaluated 2025-11-17.

Conditions:
MYO3A-related disorder. Also called: MYO3A-related condition.
Inborn genetic diseases. Identifiers: MedGen C0950123, MeSH D030342.

Allele frequency attached by ClinVar (database versions not stated): ExAC 0.00001; gnomAD 0.00001; 1000 Genomes Project 30x 0.00016; 1000 Genomes Project 0.00020.
gnomAD v4.1: 6 of 1,614,140 alleles (0.00037%); highest among the groups gnomAD compares: Admixed American, 0.0083%; no homozygotes.

Submissions (4):

PreventionGenetics, part of Exact Sciences
Classification: Uncertain significance for MYO3A-related condition. Last evaluated: 2025-11-17. Review status: criteria provided, single submitter. Criteria: ACMG Guidelines, 2015. Collection method: clinical testing. Allele origin: germline.
Comment: The MYO3A c.4134G>T variant is predicted to result in the amino acid substitution p.Arg1378Ser. To our knowledge, this variant has not been reported in the literature. This variant is reported in 0.014% of alleles in individuals of Latino descent in gnomAD. At this time, the clinical significance of this variant is uncertain due to the absence of conclusive functional and genetic evidence.

Labcorp Genetics (formerly Invitae), Labcorp
Classification: Uncertain significance. Last evaluated: 2025-06-12. Review status: criteria provided, single submitter. Criteria: Invitae Variant Classification Sherloc (09022015). Collection method: clinical testing. Allele origin: germline.
Comment: This sequence change replaces arginine, which is basic and polar, with serine, which is neutral and polar, at codon 1378 of the MYO3A protein (p.Arg1378Ser). This variant is present in population databases (rs192459107, gnomAD 0.01%). This variant has not been reported in the literature in individuals affected with MYO3A-related conditions. ClinVar contains an entry for this variant (Variation ID: 1919921). Invitae Evidence Modeling of protein sequence and biophysical properties (such as structural, functional, and spatial information, amino acid conservation, physicochemical variation, residue mobility, and thermodynamic stability) indicates that this missense variant is not expected to disrupt MYO3A protein function with a negative predictive value of 80%. In summary, the available evidence is currently insufficient to determine the role of this variant in disease. Therefore, it has been classified as a Variant of Uncertain Significance.

Ambry Genetics
Classification: Uncertain significance for Inborn genetic diseases. Last evaluated: 2025-05-14. Review status: criteria provided, single submitter. Criteria: Ambry Variant Classification Scheme 2023. Collection method: clinical testing. Allele origin: germline.

GeneDx
Classification: Uncertain significance. Last evaluated: 2025-02-11. Review status: criteria provided, single submitter. Criteria: GeneDx Variant Classification Process June 2021. Collection method: clinical testing. Allele origin: germline. Affected: yes.
Comment: In silico analysis indicates that this missense variant does not alter protein structure/function; Has not been previously published as pathogenic or benign to our knowledge

NM_017433.5(MYO3A):c.4134G>T (p.Arg1378Ser)

Gene: MYO3A (myosin IIIA; plus strand). Cytogenetic location: 10p12.1.
Variant type: single nucleotide variant.
Coding change: c.4134G>T on transcript NM_017433.5 (MANE Select); coding-DNA position 4134, G replaced by T.
Protein change: p.Arg1378Ser; replaces arginine 1378 with serine.
Molecular consequence: missense variant.
Genome position (GRCh38, 1-based): chr10:26,174,398, G>T. VCF-style: chr10-26174398-G-T. GRCh37 (hg19) VCF-style: chr10-26463327-G-T.
Other names: c.4134G>T (NM_017433.4); short protein forms R1378S.
Identifiers: ClinVar variation 1919921 (VCV001919921.9), dbSNP rs192459107, ClinGen allele CA5445382.